The following is an entry in ClinVar:

NM_015488.5(PNKD):c.236+1171G>T

Gene: PNKD (PNKD metallo-beta-lactamase domain containing; plus strand). Cytogenetic location: 2q35.
Variant type: single nucleotide variant.
Coding change: c.236+1171G>T on transcript NM_015488.5 (MANE Select); 1171 bases into the intron after coding-DNA position 236, G replaced by T.
Molecular consequence: intron variant. On other transcripts: missense variant (1).
Genome position (GRCh38, 1-based): chr2:218,272,720, G>T. VCF-style: chr2-218272720-G-T. GRCh37 (hg19) VCF-style: chr2-219137443-G-T.
Other names: c.387G>T, p.Gln129His (NM_001077399.3); short protein forms Q129H.
Identifiers: ClinVar variation 2635952 (VCV002635952.2), dbSNP rs748151319, ClinGen allele CA2103326.

ClinVar aggregate classification (germline): Conflicting classifications of pathogenicity. Review status: criteria provided, conflicting classifications (1 of 4 stars). 2 submissions from 2 submitters: Uncertain significance (1); Likely benign (1). Last evaluated 2023-08-04.

Conditions:
PNKD-related disorder. Also called: PNKD-related condition.

Allele frequency attached by ClinVar (database versions not stated): ExAC 0.00003; gnomAD 0.00006; TOPMed 0.00006; gnomAD exomes 0.00016.
gnomAD v4.1: 228 of 1,614,100 alleles (0.014%); highest among the groups gnomAD compares: Non-Finnish European, 0.019%; no homozygotes.

Submissions (2):

PreventionGenetics, part of Exact Sciences
Classification: Uncertain significance for PNKD-related condition. Last evaluated: 2023-08-04. Review status: criteria provided, single submitter. Criteria: ACMG Guidelines, 2015. Collection method: clinical testing. Allele origin: germline.
Comment: The PNKD c.387G>T variant is predicted to result in the amino acid substitution p.Gln129His. To our knowledge, this variant has not been reported in the literature. This variant is reported in 0.0078% of alleles in individuals of European (Non-Finnish) descent in gnomAD. At this time, the clinical significance of this variant is uncertain due to the absence of conclusive functional and genetic evidence.

Blueprint Genetics
Classification: Likely benign. Last evaluated: 2023-03-23. Review status: criteria provided, single submitter. Criteria: ACMG Guidelines, 2015. Collection method: clinical testing. Allele origin: germline.